The following is an entry in ClinVar:

ClinVar aggregate classification (germline): Likely benign. Review status: criteria provided, single submitter (1 of 4 stars). 2 submissions from 2 submitters: Likely benign (1). 1 of the submissions does not count toward it. Last evaluated 2025-12-29.

Conditions:
C2CD3-related disorder. Also called: C2CD3-related condition.

Allele frequency attached by ClinVar (database versions not stated): gnomAD 0.00013; TOPMed 0.00020; gnomAD exomes 0.00022; ExAC 0.00024; ESP Exome Variant Server 0.00031.
gnomAD v4.1: 318 of 1,613,584 alleles (0.02%); highest among the groups gnomAD compares: Middle Eastern, 0.049%; 1 homozygote.

Submissions (2):

Labcorp Genetics (formerly Invitae), Labcorp
Classification: Likely benign. Last evaluated: 2025-12-29. Review status: criteria provided, single submitter. Criteria: Invitae Variant Classification Sherloc (09022015). Collection method: clinical testing. Allele origin: germline.

PreventionGenetics, part of Exact Sciences
Classification: Likely benign for C2CD3-related condition. Last evaluated: 2022-08-01. Review status: no assertion criteria provided. Collection method: clinical testing. Allele origin: germline. Not counted in ClinVar's aggregate classification.
Comment: This variant is classified as likely benign based on ACMG/AMP sequence variant interpretation guidelines (Richards et al. 2015 PMID: 25741868, with internal and published modifications).

NM_001286577.2(C2CD3):c.5602G>A (p.Asp1868Asn)

Gene: C2CD3 (C2 domain containing 3 centriole elongation regulator; minus strand). Cytogenetic location: 11q13.4.
Variant type: single nucleotide variant.
Coding change: c.5602G>A on transcript NM_001286577.2 (MANE Select); coding-DNA position 5602, G replaced by A.
Protein change: p.Asp1868Asn; replaces aspartic acid 1868 with asparagine.
Molecular consequence: missense variant.
Genome position (GRCh38, 1-based): chr11:74,042,112, C>T on the plus strand (G>A on the coding strand, the complement: C2CD3 is on the minus strand). VCF-style: chr11-74042112-C-T. GRCh37 (hg19) VCF-style: chr11-73753157-C-T.
Other names: c.5602G>A, p.Asp1868Asn (NM_015531.6); short protein forms D1868N.
Identifiers: ClinVar variation 790411 (VCV000790411.11), dbSNP rs142851617, ClinGen allele CA6181829.
Genomic context (GRCh38, chr11:74,042,112, plus strand): 5'-ACCTGAGAGAAGTCAGAATGGAGGTTTGGGAGGACAAAGGTGATGTGGTCAGTTTGTCAT[C>T]ACATGGCAAGGGTGCCTCTCCCTGAAGATGCAGGGATTCATGAAACCGGCGAATGTTCTG-3'
Protein context (NP_001273506.1, residues 1858-1878): HLQGEAPLPC[Asp1868Asn]DKLTTSPLSS